The following is an entry in ClinVar:

NM_001041.4(SI):c.1457G>A (p.Trp486Ter)

Gene: SI (sucrase-isomaltase; minus strand). Cytogenetic location: 3q26.1.
Variant type: single nucleotide variant.
Coding change: c.1457G>A on transcript NM_001041.4 (MANE Select); coding-DNA position 1457, G replaced by A.
Protein change: p.Trp486Ter; replaces tryptophan 486 with a stop codon.
Molecular consequence: nonsense.
Genome position (GRCh38, 1-based): chr3:165,055,249, C>T on the plus strand (G>A on the coding strand, the complement: SI is on the minus strand). VCF-style: chr3-165055249-C-T. GRCh37 (hg19) VCF-style: chr3-164773037-C-T.
Other names: short protein forms W486*.
Identifiers: ClinVar variation 4754564 (VCV004754564.1).

ClinVar aggregate classification (germline): Pathogenic (1 of 4 stars; one submission).

gnomAD v4.1: 2 of 1,611,894 alleles (0.00012%); highest among the groups gnomAD compares: South Asian, 0.0011%; no homozygotes.

Submission:

Labcorp Genetics (formerly Invitae), Labcorp
Classification: Pathogenic. Last evaluated: 2025-09-30. Review status: criteria provided, single submitter. Criteria: Invitae Variant Classification Sherloc (09022015). Collection method: clinical testing. Allele origin: germline.
Comment: This sequence change creates a premature translational stop signal (p.Trp486*) in the SI gene. It is expected to result in an absent or disrupted protein product. Loss-of-function variants in SI are known to be pathogenic (PMID: 16329100, 23103650, 25452324). This variant is not present in population databases (gnomAD no frequency). This variant has not been reported in the literature in individuals affected with SI-related conditions. Algorithms developed to predict the effect of sequence changes on RNA splicing suggest that this variant may create or strengthen a splice site. For these reasons, this variant has been classified as Pathogenic.

Literature cited by the submitters: PubMed 16329100; PubMed 23103650; PubMed 25452324.